The following is an entry in ClinVar:

NM_000535.7(PMS2):c.786T>C (p.Ala262=)

Gene: PMS2 (PMS1 homolog 2, mismatch repair system component; minus strand). Cytogenetic location: 7p22.1.
Variant type: single nucleotide variant.
Coding change: c.786T>C on transcript NM_000535.7 (MANE Select); coding-DNA position 786, T replaced by C.
Protein change: p.Ala262=; no amino-acid change (alanine 262 retained).
Molecular consequence: synonymous variant. On other transcripts: 5 prime UTR variant (2), non-coding transcript variant (1), intron variant (3).
Genome position (GRCh38, 1-based): chr7:5,997,343, A>G on the plus strand (T>C on the coding strand, the complement: PMS2 is on the minus strand). VCF-style: chr7-5997343-A-G. GRCh37 (hg19) VCF-style: chr7-6036974-A-G.
Other names: c.381T>C, p.Ala127= (NM_001322003.2, NM_001322004.2, NM_001322005.2 and 19 more transcripts); c.786T>C, p.Ala262= (NM_001322006.2, NM_001322014.2, NM_001406870.1 and 3 more transcripts); c.468T>C, p.Ala156= (NM_001322007.2, NM_001322008.2, NM_001406876.1 and 4 more transcripts); c.-148T>C (NM_001322011.2, NM_001322012.2); c.213T>C, p.Ala71= (NM_001322013.2, NM_001406909.1); c.477T>C, p.Ala159= (NM_001322015.2, NM_001406875.1, NM_001406877.1 and 6 more transcripts); c.972T>C, p.Ala324= (NM_001406866.1); c.810T>C, p.Ala270= (NM_001406868.1); and 7 more.
Identifiers: ClinVar variation 3903989 (VCV003903989.1).

ClinVar aggregate classification (germline): Benign (1 of 4 stars; one submission).

Conditions:
Lynch syndrome 4 (LYNCH4). Also called: Colorectal cancer, hereditary nonpolyposis, type 4; Hereditary non-polyposis colorectal cancer, type 4. Identifiers: Orphanet 144, MedGen C1838333, MONDO:0013699, OMIM 614337. Disease mechanism: loss of function.

gnomAD v4.1: 3 of 1,561,964 alleles (0.00019%); highest among the groups gnomAD compares: Non-Finnish European, 0.00026%; no homozygotes.

Submission:

Myriad Genetics, Inc.
Classification: Benign for Lynch syndrome 4. Last evaluated: 2025-01-28. Review status: criteria provided, single submitter. Criteria: Myriad Autosomal Dominant, Autosomal Recessive and X-Linked Classification Criteria (2023). Collection method: clinical testing. Allele origin: unknown.
Comment: This variant is considered benign. This variant is a silent/synonymous amino acid change and it is not expected to impact splicing.